The following is an entry in ClinVar:

ClinVar aggregate classification (germline): Uncertain significance (1 of 4 stars; one submission).

Conditions:
Sulfite oxidase deficiency due to molybdenum cofactor deficiency type A. Also called: Molybdenum cofactor deficiency, complementation group A; Molybdenum Cofactor Deficiency A. Identifiers: Orphanet 308386, Orphanet 833, MedGen C1854988, MONDO:0009643, OMIM 252150.

Allele frequency attached by ClinVar (database versions not stated): TOPMed below 0.00001.
gnomAD v4.1: 1 of 1,613,158 alleles (0.000062%); highest among the groups gnomAD compares: Non-Finnish European, 0.000085%; no homozygotes.

Submission:

Labcorp Genetics (formerly Invitae), Labcorp
Classification: Uncertain significance for Sulfite oxidase deficiency due to molybdenum cofactor deficiency type A. Last evaluated: 2020-07-14. Review status: criteria provided, single submitter. Criteria: Invitae Variant Classification Sherloc (09022015). Collection method: clinical testing. Allele origin: germline.
Comment: This sequence change falls in intron 6 of the MOCS1 gene. It does not directly change the encoded amino acid sequence of the MOCS1 protein, but it affects a nucleotide within the consensus splice site of the intron. This variant is not present in population databases (ExAC no frequency). This variant has not been reported in the literature in individuals with MOCS1-related conditions. Nucleotide substitutions within the consensus splice site are a relatively common cause of aberrant splicing (PMID: 17576681, 9536098). Algorithms developed to predict the effect of sequence changes on RNA splicing suggest that this variant may disrupt the consensus splice site, but this prediction has not been confirmed by published transcriptional studies. In summary, the available evidence is currently insufficient to determine the role of this variant in disease. Therefore, it has been classified as a Variant of Uncertain Significance.

Literature cited by the submitters: PubMed 17576681; PubMed 9536098.

NM_001358530.2(MOCS1):c.757+4A>C

Gene: MOCS1 (molybdenum cofactor synthesis 1; minus strand). Cytogenetic location: 6p21.2.
Variant type: single nucleotide variant.
Coding change: c.757+4A>C on transcript NM_001358530.2 (MANE Select); 4 bases into the intron after coding-DNA position 757, A replaced by C.
Molecular consequence: intron variant.
Genome position (GRCh38, 1-based): chr6:39,913,313, T>G on the plus strand (A>C on the coding strand, the complement: MOCS1 is on the minus strand). VCF-style: chr6-39913313-T-G. GRCh37 (hg19) VCF-style: chr6-39881057-T-G.
Other names: c.496+4A>C (NM_001358531.2, NM_001358533.2, NM_001358534.2); c.757+4A>C (NM_001358529.2, NM_001075098.4, NM_005943.6).
Identifiers: ClinVar variation 1021447 (VCV001021447.4), dbSNP rs1176487418, ClinGen allele CA824628476.